The following is an entry in ClinVar:

ClinVar aggregate classification (germline): Uncertain significance (1 of 4 stars; one submission).

Allele frequency attached by ClinVar (database versions not stated): gnomAD exomes below 0.00001.

Submission:

Labcorp Genetics (formerly Invitae), Labcorp
Classification: Uncertain significance. Last evaluated: 2022-09-22. Review status: criteria provided, single submitter. Criteria: Invitae Variant Classification Sherloc (09022015). Collection method: clinical testing. Allele origin: germline.
Comment: This sequence change replaces aspartic acid, which is acidic and polar, with glutamic acid, which is acidic and polar, at codon 1647 of the COL7A1 protein (p.Asp1647Glu). This variant is not present in population databases (gnomAD no frequency). This variant has not been reported in the literature in individuals affected with COL7A1-related conditions. Advanced modeling of protein sequence and biophysical properties (such as structural, functional, and spatial information, amino acid conservation, physicochemical variation, residue mobility, and thermodynamic stability) performed at Invitae indicates that this missense variant is not expected to disrupt COL7A1 protein function. In summary, the available evidence is currently insufficient to determine the role of this variant in disease. Therefore, it has been classified as a Variant of Uncertain Significance.

NM_000094.4(COL7A1):c.4941C>G (p.Asp1647Glu)

Gene: COL7A1 (collagen type VII alpha 1 chain; minus strand). Cytogenetic location: 3p21.31.
Variant type: single nucleotide variant.
Coding change: c.4941C>G on transcript NM_000094.4 (MANE Select); coding-DNA position 4941, C replaced by G.
Protein change: p.Asp1647Glu; replaces aspartic acid 1647 with glutamic acid.
Molecular consequence: missense variant.
Genome position (GRCh38, 1-based): chr3:48,580,921, G>C on the plus strand (C>G on the coding strand, the complement: COL7A1 is on the minus strand). VCF-style: chr3-48580921-G-C. GRCh37 (hg19) VCF-style: chr3-48618354-G-C.
Other names: short protein forms D1647E.
Identifiers: ClinVar variation 2170430 (VCV002170430.1), dbSNP rs750227645, ClinGen allele CA352680817.